The following is an entry in ClinVar:

NM_003320.5(TUB):c.82T>C (p.Trp28Arg)

Gene: TUB (TUB bipartite transcription factor; plus strand). Cytogenetic location: 11p15.4.
Variant type: single nucleotide variant.
Coding change: c.82T>C on transcript NM_003320.5; coding-DNA position 82, T replaced by C.
Protein change: p.Trp28Arg; replaces tryptophan 28 with arginine.
Molecular consequence: missense variant. On other transcripts: intron variant (4).
Genome position (GRCh38, 1-based): chr11:8,038,955, T>C. VCF-style: chr11-8038955-T-C. GRCh37 (hg19) VCF-style: chr11-8060502-T-C.
Other names: c.56+19597T>C (NM_001440538.1, NM_001440539.1, NM_001440540.1 and 1 more transcripts); short protein forms W28R.
Identifiers: ClinVar variation 4983959 (VCV004983959.1).
Genomic context (GRCh38, chr11:8,038,955, plus strand): 5'-CCTTCTTTCTGGGTTTCTTTCTTTGCCGAGACAGGGATTTTGTTCCCAGGAGGCACTCCC[T>C]GGCCCATGGGATCTCAGCATTCAAAGCAGCACAGGAAACCTGGGCCCCTGAAACGGGGCC-3'

ClinVar aggregate classification (germline): Uncertain significance (1 of 4 stars; one submission).

Conditions:
TUB-related disorder. Also called: TUB-related condition.

gnomAD v4.1: 1 of 1,613,956 alleles (0.000062%); highest among the groups gnomAD compares: African/African-American, 0.0013%; no homozygotes.

Submission:

PreventionGenetics, part of Exact Sciences
Classification: Uncertain significance for TUB-related condition. Last evaluated: 2026-05-17. Review status: criteria provided, single submitter. Criteria: ACMG Guidelines, 2015. Collection method: clinical testing. Allele origin: germline.
Comment: The TUB c.82T>C variant is predicted to result in the amino acid substitution p.Trp28Arg. To our knowledge, this variant has not been reported in the literature or in a large population database (gnomAD), indicating this variant is rare. At this time, the clinical significance of this variant is uncertain due to the absence of conclusive functional and genetic evidence.